The following is an entry in ClinVar:

ClinVar aggregate classification (germline): Pathogenic/Likely pathogenic. Review status: criteria provided, multiple submitters, no conflicts (2 of 4 stars). 10 submissions from 10 submitters: Pathogenic (6); Likely pathogenic (2). 2 of the submissions do not count toward it. Last evaluated 2025-10-16.

Conditions:
MAN1B1-related disorder. Also called: MAN1B1-related condition; MAN1B1-related disorders.
Inborn genetic diseases. Identifiers: MedGen C0950123, MeSH D030342.
Rafiq syndrome (RAFQS). Identifiers: Orphanet 88616, MedGen C3280127, MONDO:0013624, OMIM 614202.

Allele frequency attached by ClinVar (database versions not stated): TOPMed 0.00004; ExAC 0.00005; gnomAD 0.00005; 1000 Genomes Project 30x 0.00031; gnomAD exomes 0.00004; 1000 Genomes Project 0.00040.

Submissions (10):

Variantyx, Inc.
Classification: Likely pathogenic for Rafiq syndrome. Last evaluated: 2025-10-16. Review status: criteria provided, single submitter. Criteria: Variantyx Assertion Criteria 2022. Collection method: clinical testing. Allele origin: germline. Inheritance: Autosomal recessive inheritance.
Comment: This is a nonsynonymous variant in the MAN1B1 gene (OMIM: 604346). Pathogenic variants in this gene have been associated with autosomal recessive Rafiq syndrome. Functional studies have shown that this variant alters MAN1B1 protein function (PMID: 27148587) (PS3_Moderate), and multiple computational algorithms predict a deleterious effect for this variant (REVEL score: 0.956) (PP3). This variant has a 0.0107% maximum allele frequency in non-founder control populations (PM2). Based on the current evidence, this variant is classified as likely pathogenic for autosomal recessive Rafiq syndrome.

Revvity Omics, Revvity
Classification: Likely pathogenic for Rafiq syndrome. Last evaluated: 2024-06-24. Review status: criteria provided, single submitter. Criteria: ACMG Guidelines, 2015. Collection method: clinical testing. Allele origin: germline.

Labcorp Genetics (formerly Invitae), Labcorp
Classification: Pathogenic for Rafiq syndrome. Last evaluated: 2024-03-15. Review status: criteria provided, single submitter. Criteria: Invitae Variant Classification Sherloc (09022015). Collection method: clinical testing. Allele origin: germline.
Comment: This sequence change replaces arginine, which is basic and polar, with cysteine, which is neutral and slightly polar, at codon 334 of the MAN1B1 protein (p.Arg334Cys). This variant is present in population databases (rs387906886, gnomAD 0.02%). This missense change has been observed in individual(s) with clinical features of MAN1B1-related conditions and abnormal glycosylation of serum transferrin showing type II pattern (PMID: 24348268, 27148587). It has also been observed to segregate with disease in related individuals. ClinVar contains an entry for this variant (Variation ID: 30415). An algorithm developed to predict the effect of missense changes on protein structure and function (PolyPhen-2) suggests that this variant is likely to be disruptive. For these reasons, this variant has been classified as Pathogenic.

GeneDx
Classification: Pathogenic. Last evaluated: 2023-12-27. Review status: criteria provided, single submitter. Criteria: GeneDx Variant Classification Process June 2021. Collection method: clinical testing. Allele origin: germline. Affected: yes.
Comment: In silico analysis supports that this missense variant has a deleterious effect on protein structure/function; This variant is associated with the following publications: (PMID: 27148587, 24566669, 34426522, 34791078, 34258140, 34162022, 36142510, 26279649, 21937992, 24348268, 29908352, 21763484)

Ambry Genetics
Classification: Pathogenic for Inborn genetic diseases. Last evaluated: 2022-03-29. Review status: criteria provided, single submitter. Criteria: Ambry Variant Classification Scheme 2023. Collection method: clinical testing. Allele origin: germline.
Comment: The c.1000C>T (p.R334C) alteration is located in exon 7 (coding exon 7) of the MAN1B1 gene. This alteration results from a C to T substitution at nucleotide position 1000, causing the arginine (R) at amino acid position 334 to be replaced by a cysteine (C). Based on data from gnomAD, the T allele has an overall frequency of <0.01% (10/282840) total alleles studied. The highest observed frequency was 0.02% (4/24956) of African alleles. This alteration has been identified in the homozygous or compound heterozygous state in multiple individuals with intellectual disability and/or other clinical presentations consistent with MAN1B1-related congenital disorder of glycosylation (CDG) type II (Rafiq, 2011; Najmabadi, 2011; Rymen, 2013; Van Scherpenzeel, 2014; Hoffjan, 2015). This amino acid position is highly conserved in available vertebrate species. Studies in HEK293 cells showed decreased expression of the variant protein and reduction in kinetic efficiency of the enzyme compared to wild type, while studies in patient derived fibroblasts indicated this alteration would lead to reduced protein expression, N-Glycan abnormalities, and altered Golgi morphology (Rafiq, 2011; Rymen, 2013). This alteration is predicted to be deleterious by in silico analysis. Based on the available evidence, this alteration is classified as pathogenic.

Centre of Medical Genetics, University Hospital Muenster
Classification: Pathogenic. Last evaluated: 2021-10-18. Review status: criteria provided, single submitter. Criteria: ACMG Guidelines, 2015. Collection method: clinical testing. Allele origin: unknown. Affected: yes. Observed: 1 variant allele, 1 homozygote.
Comment: ACMG categories: PS5,PM1,PM2,PP3,PP5

Institute of Human Genetics, University of Leipzig Medical Center
Classification: Pathogenic for Rafiq syndrome. Last evaluated: 2020-03-01. Review status: criteria provided, single submitter. Criteria: ACMG Guidelines, 2015. Collection method: clinical testing. Allele origin: biparental. Inheritance: Autosomal recessive inheritance. Affected: yes.
Comment: Review of the variants reported in Reuter et al., 2017, PMID: 28097321: PM2,PM3_Strong,PP1_Strong,PP3,

Illumina Laboratory Services, Illumina
Classification: Pathogenic for MAN1B1-Related Disorders. Last evaluated: 2019-04-05. Review status: criteria provided, single submitter. Criteria: ICSL Variant Classification Criteria 09 May 2019. Collection method: clinical testing. Allele origin: germline.
Comment: The MAN1B1 c.1000C>T (p.Arg334Cys) missense variant has been reported in seven individuals from three families with autosomal recessive intellectual disability. The variant was said to segregate with disease in the Iranian and Turkish families. The p.Arg334Cys variant has been further reported in a homozygous state in six individuals from five families with a diagnosis of congenital disorders of glycosylation (Rymen et al. 2013; Van Scherpenzeel et al. 2014; Gupta et al. 2016). The p.Arg334Cys variant was absent from 346 Iranian and German controls and is reported at a frequency of 0.000167 in the African population of the Genome Aggregation Database. Expression of wild type and p.Arg334Cys variant constructs in HEK293 cells showed that the variant protein was expressed and secreted at 20% of the wild type levels, with a reduction in the kinetic efficiency of the enzyme compared to wild type (Rafiq et al. 2011). Based on the collective evidence, the p.Arg334Cys variant is classified as pathogenic for MAN1B1-related disorders. This variant was observed by ICSL as part of a predisposition screen in an ostensibly healthy population.

OMIM
Classification: Pathogenic for RAFIQ SYNDROME. Last evaluated: 2011-07-15. Review status: no assertion criteria provided. Collection method: literature only. Allele origin: germline. Not counted in ClinVar's aggregate classification.

Medical Molecular Genetics, National Research Centre
Classification: Uncertain significance for Rafiq syndrome. Last evaluated: 2025-11-01. Review status: flagged submission. Criteria: ACMG Guidelines, 2015. Collection method: research. Allele origin: inherited. Affected: yes. Not counted in ClinVar's aggregate classification.
ClinVar note: Reason: Outlier claim with insufficient supporting evidence

Literature cited by the submitters: PubMed 29908352 (cited by 3 submitters); PubMed 27148587 (cited by 3 submitters); PubMed 24348268 (cited by 4 submitters); PubMed 21763484 (cited by 3 submitters); PubMed 21937992 (cited by Ambry Genetics); PubMed 24566669 (cited by Ambry Genetics and Illumina Laboratory Services, Illumina); PubMed 26279649 (cited by 3 submitters).

NM_016219.5(MAN1B1):c.1000C>T (p.Arg334Cys)

Gene: MAN1B1 (mannosidase alpha class 1B member 1; plus strand). Cytogenetic location: 9q34.3.
Variant type: single nucleotide variant.
Coding change: c.1000C>T on transcript NM_016219.5 (MANE Select); coding-DNA position 1000, C replaced by T.
Protein change: p.Arg334Cys; replaces arginine 334 with cysteine.
Molecular consequence: missense variant. On other transcripts: non-coding transcript variant (2).
Genome position (GRCh38, 1-based): chr9:137,101,088, C>T. VCF-style: chr9-137101088-C-T. GRCh37 (hg19) VCF-style: chr9-139995540-C-T.
Other names: short protein forms R334C.
Identifiers: ClinVar variation 30415 (VCV000030415.19), dbSNP rs387906886, ClinGen allele CA129197.
Genomic context (GRCh38, chr9:137,101,088, plus strand): 5'-GTGTCGAAGAAGTTACACTTTGAAAAGGACGTGGACGTCAACCTGTTTGAGAGCACGATC[C>T]GCATCCTGGGGGGGCTCCTGAGTGCCTACCACCTGTCTGGGGACAGCCTCTTCCTGAGGA-3'
Protein context (NP_057303.2, residues 324-344): VDVNLFESTI[Arg334Cys]ILGGLLSAYH